The following is an entry in ClinVar:

ClinVar aggregate classification (germline): Uncertain significance (1 of 4 stars; one submission).

Conditions:
Glycogen storage disease IXb (GSD9B). Also called: PHOSPHORYLASE KINASE DEFICIENCY OF LIVER AND MUSCLE, AUTOSOMAL RECESSIVE; GLYCOGENOSIS OF LIVER AND MUSCLE, AUTOSOMAL RECESSIVE; GSD IXb. Identifiers: Orphanet 79240, MedGen C0543514, MONDO:0009868, OMIM 261750.

Submission:

Labcorp Genetics (formerly Invitae), Labcorp
Classification: Uncertain significance for Glycogen storage disease IXb. Last evaluated: 2022-03-12. Review status: criteria provided, single submitter. Criteria: Invitae Variant Classification Sherloc (09022015). Collection method: clinical testing. Allele origin: germline.
Comment: A copy number gain of the genomic region encompassing the full coding sequence of the PHKB gene has been identified. The boundaries of this event are unknown as they extend beyond the assayed region for this gene and therefore may encompass additional genes. As the precise location of this event is unknown, it may be in tandem or it may be located elsewhere in the genome. This variant has not been reported in the literature in individuals affected with PHKB-related conditions. In summary, the available evidence is currently insufficient to determine the role of this variant in disease. Therefore, it has been classified as a Variant of Uncertain Significance.

NC_000016.9:g.(?_46694384)_(48258199_?)dup

Genes: GPT2 (glutamic--pyruvic transaminase 2; plus strand), MYLK3 (myosin light chain kinase 3; minus strand), ABCC11 (ATP binding cassette subfamily C member 11; minus strand), PHKB (phosphorylase kinase regulatory subunit beta; plus strand), NETO2 (neuropilin and tolloid like 2; minus strand) and 6 more. Cytogenetic location: 16q11.2-12.1.
Variant type: Duplication.
Identifiers: ClinVar variation 2422825 (VCV002422825.3).